The following is an entry in ClinVar:

ClinVar aggregate classification (germline): Pathogenic/Likely pathogenic. Review status: criteria provided, multiple submitters, no conflicts (2 of 4 stars). 2 submissions from 2 submitters: Pathogenic (1); Likely pathogenic (1). Last evaluated 2022-11-18.

Conditions:
Duchenne muscular dystrophy (DMD). Also called: MUSCULAR DYSTROPHY, PSEUDOHYPERTROPHIC PROGRESSIVE, DUCHENNE TYPE; Duchenne Muscular Dystrophy (DMD). Identifiers: Orphanet 98896, MedGen C0013264, MONDO:0010679, OMIM 310200.

Submissions (2):

Revvity Omics, Revvity
Classification: Likely pathogenic. Last evaluated: 2022-11-18. Review status: criteria provided, single submitter. Criteria: ACMG Guidelines, 2015. Collection method: clinical testing. Allele origin: germline.

Labcorp Genetics (formerly Invitae), Labcorp
Classification: Pathogenic for Duchenne muscular dystrophy. Last evaluated: 2022-11-15. Review status: criteria provided, single submitter. Criteria: Invitae Variant Classification Sherloc (09022015). Collection method: clinical testing. Allele origin: germline.
Comment: This sequence change affects an acceptor splice site in intron 62 of the DMD gene. It is expected to disrupt RNA splicing. Variants that disrupt the donor or acceptor splice site typically lead to a loss of protein function (PMID: 16199547), and loss-of-function variants in DMD are known to be pathogenic (PMID: 16770791, 25007885). For these reasons, this variant has been classified as Pathogenic. Algorithms developed to predict the effect of sequence changes on RNA splicing suggest that this variant may disrupt the consensus splice site. ClinVar contains an entry for this variant (Variation ID: 1067593). Disruption of this splice site has been observed in individual(s) with Duchenne muscular dystrophy (PMID: 17041906, 28859693). In at least one individual the variant was observed to be de novo. This variant is not present in population databases (gnomAD no frequency).

Literature cited by the submitters: PubMed 16199547 (cited by Labcorp Genetics (formerly Invitae), Labcorp); PubMed 16770791 (cited by Labcorp Genetics (formerly Invitae), Labcorp); PubMed 25007885 (cited by Labcorp Genetics (formerly Invitae), Labcorp); PubMed 17041906 (cited by Labcorp Genetics (formerly Invitae), Labcorp); PubMed 28859693 (cited by Labcorp Genetics (formerly Invitae), Labcorp).

NM_004006.3(DMD):c.9225-2A>T

Gene: DMD (dystrophin; minus strand). Cytogenetic location: Xp21.2.
Variant type: single nucleotide variant.
Coding change: c.9225-2A>T on transcript NM_004006.3 (MANE Select); the canonical splice acceptor site of the intron before coding-DNA position 9225, A replaced by T.
Molecular consequence: splice acceptor variant.
Genome position (GRCh38, 1-based): chrX:31,261,018, T>A on the plus strand (A>T on the coding strand, the complement: DMD is on the minus strand). VCF-style: chrX-31261018-T-A. GRCh37 (hg19) VCF-style: chrX-31279135-T-A.
Other names: c.9201-2A>T (NM_000109.4); c.5202-2A>T (NM_004011.4); c.5193-2A>T (NM_004012.4); c.1845-2A>T (NM_004023.3, NM_004020.4, NM_004022.3 and 2 more transcripts); c.1038-2A>T (NM_004014.3); c.21-2A>T (NM_004018.3, NM_004017.3, NM_004016.3 and 2 more transcripts); c.9213-2A>T (NM_004009.3); c.8856-2A>T (NM_004010.3).
Identifiers: ClinVar variation 1067593 (VCV001067593.11), dbSNP rs2147649643, ClinGen allele CA412652577.